The following is an entry in ClinVar:

NM_181523.3(PIK3R1):c.257C>T (p.Thr86Ile)

Gene: PIK3R1 (phosphoinositide-3-kinase regulatory subunit 1; plus strand). Cytogenetic location: 5q13.1.
Variant type: single nucleotide variant.
Coding change: c.257C>T on transcript NM_181523.3 (MANE Select); coding-DNA position 257, C replaced by T.
Protein change: p.Thr86Ile; replaces threonine 86 with isoleucine.
Molecular consequence: missense variant.
Genome position (GRCh38, 1-based): chr5:68,226,932, C>T. VCF-style: chr5-68226932-C-T. GRCh37 (hg19) VCF-style: chr5-67522760-C-T.
Other names: short protein forms T86I.
Identifiers: ClinVar variation 843492 (VCV000843492.14), dbSNP rs1744300386, ClinGen allele CA359979920.
Genomic context (GRCh38, chr5:68,226,932, plus strand): 5'-GGGGGGACTTTCCGGGAACTTACGTAGAATATATTGGAAGGAAAAAAATCTCGCCTCCCA[C>T]ACCAAAGCCCCGGCCACCTCGGCCTCTTCCTGTTGCACCAGGTTCTTCGAAAACTGAAGC-3'
Protein context (NP_852664.1, residues 76-96): YIGRKKISPP[Thr86Ile]PKPRPPRPLP

ClinVar aggregate classification (germline): Uncertain significance (1 of 4 stars; one submission).

Conditions:
Agammaglobulinemia 7, autosomal recessive (AGM7). Also called: AGAMMAGLOBULINEMIA, AUTOSOMAL RECESSIVE, DUE TO PIK3R1 DEFECT. Identifiers: MedGen C3554689, MONDO:0014083, OMIM 615214.
SHORT syndrome. Also called: LIPODYSTROPHY, PARTIAL, WITH RIEGER ANOMALY AND SHORT STATURE; SHORT STATURE, HYPEREXTENSIBILITY, HERNIA, OCULAR DEPRESSION, RIEGER ANOMALY, AND TEETHING DELAY; PIK3R1-Related SHORT Syndrome. Identifiers: Orphanet 3163, MedGen C0878684, MONDO:0010026, OMIM 269880.
Immunodeficiency 36 with lymphoproliferation. Also called: Activated PI3K Delta Syndrome Type 2 (APDS2); Immunodeficiency 36; ACTIVATED PI3K-DELTA SYNDROME 2. Identifiers: Orphanet 397596, Orphanet 693681, MedGen C4014934, MONDO:0014453, OMIM 616005.

Allele frequency attached by ClinVar (database versions not stated): gnomAD exomes below 0.00001; TOPMed below 0.00001.
gnomAD v4.1: 1 of 1,614,148 alleles (0.000062%); highest among the groups gnomAD compares: Non-Finnish European, 0.000085%; no homozygotes.

Submission:

Labcorp Genetics (formerly Invitae), Labcorp
Classification: Uncertain significance for SHORT syndrome; Immunodeficiency 36 with lymphoproliferation; Agammaglobulinemia 7, autosomal recessive. Last evaluated: 2024-01-29. Review status: criteria provided, single submitter. Criteria: Invitae Variant Classification Sherloc (09022015). Collection method: clinical testing. Allele origin: germline.
Comment: This sequence change replaces threonine, which is neutral and polar, with isoleucine, which is neutral and non-polar, at codon 86 of the PIK3R1 protein (p.Thr86Ile). This variant is not present in population databases (gnomAD no frequency). This variant has not been reported in the literature in individuals affected with PIK3R1-related conditions. ClinVar contains an entry for this variant (Variation ID: 843492). An algorithm developed to predict the effect of missense changes on protein structure and function (PolyPhen-2) suggests that this variant is likely to be disruptive. In summary, the available evidence is currently insufficient to determine the role of this variant in disease. Therefore, it has been classified as a Variant of Uncertain Significance.